The following is an entry in ClinVar:

ClinVar aggregate classification (germline): Uncertain significance. Review status: criteria provided, multiple submitters, no conflicts (2 of 4 stars). 2 submissions from 2 submitters: Uncertain significance (2). Last evaluated 2024-09-11.

Conditions:
Familial hypocalciuric hypercalcemia (FHH). Also called: Familial benign hypercalcemia. Identifiers: Orphanet 405, MedGen C1809471, MONDO:0018458.
Autosomal dominant hypocalcemia 1 (HYPOC1). Also called: HYPOCALCEMIA, FAMILIAL. Identifiers: MedGen C3715128, MONDO:0011013, OMIM 601198.

gnomAD v4.1: 1 of 1,614,092 alleles (0.000062%); highest among the groups gnomAD compares: Non-Finnish European, 0.000085%; no homozygotes.

Submissions (2):

GeneDx
Classification: Uncertain significance. Last evaluated: 2024-09-11. Review status: criteria provided, single submitter. Criteria: GeneDx Variant Classification Process June 2021. Collection method: clinical testing. Allele origin: germline. Affected: yes.
Comment: Not observed at significant frequency in large population cohorts (gnomAD); In silico analysis supports that this missense variant has a deleterious effect on protein structure/function; Has not been previously published as pathogenic or benign to our knowledge

Labcorp Genetics (formerly Invitae), Labcorp
Classification: Uncertain significance for Familial hypocalciuric hypercalcemia; Autosomal dominant hypocalcemia 1. Last evaluated: 2024-05-21. Review status: criteria provided, single submitter. Criteria: Invitae Variant Classification Sherloc (09022015). Collection method: clinical testing. Allele origin: germline.
Comment: This sequence change replaces glycine, which is neutral and non-polar, with alanine, which is neutral and non-polar, at codon 35 of the CASR protein (p.Gly35Ala). This variant is not present in population databases (gnomAD no frequency). This variant has not been reported in the literature in individuals affected with CASR-related conditions. An algorithm developed to predict the effect of missense changes on protein structure and function (PolyPhen-2) suggests that this variant is likely to be disruptive. In summary, the available evidence is currently insufficient to determine the role of this variant in disease. Therefore, it has been classified as a Variant of Uncertain Significance.

NM_000388.4(CASR):c.104G>C (p.Gly35Ala)

Gene: CASR (calcium sensing receptor; plus strand). Cytogenetic location: 3q21.1.
Variant type: single nucleotide variant.
Coding change: c.104G>C on transcript NM_000388.4 (MANE Select); coding-DNA position 104, G replaced by C.
Protein change: p.Gly35Ala; replaces glycine 35 with alanine.
Molecular consequence: missense variant.
Genome position (GRCh38, 1-based): chr3:122,254,293, G>C. VCF-style: chr3-122254293-G-C. GRCh37 (hg19) VCF-style: chr3-121973140-G-C.
Other names: c.104G>C, p.Gly35Ala (NM_001178065.2); c.104G>C (NM_000388.3); short protein forms G35A.
Identifiers: ClinVar variation 3756427 (VCV003756427.3).
Genomic context (GRCh38, chr3:122,254,293, plus strand): 5'-GGCACACCTCTGCCTACGGGCCAGACCAGCGAGCCCAAAAGAAGGGGGACATTATCCTTG[G>C]GGGGCTCTTTCCTATTCATTTTGGAGTAGCAGCTAAAGATCAAGATCTCAAATCAAGGCC-3'
Protein context (NP_000379.3, residues 25-45): RAQKKGDIIL[Gly35Ala]GLFPIHFGVA